The following is an entry in ClinVar:

ClinVar aggregate classification (germline): Uncertain significance (1 of 4 stars; one submission).

Allele frequency attached by ClinVar (database versions not stated): gnomAD exomes below 0.00001; ExAC 0.00001; gnomAD 0.00001; TOPMed 0.00001.
gnomAD v4.1: 2 of 1,608,370 alleles (0.00012%); highest among the groups gnomAD compares: Admixed American, 0.0017%; no homozygotes.

Submission:

Labcorp Genetics (formerly Invitae), Labcorp
Classification: Uncertain significance. Last evaluated: 2023-07-07. Review status: criteria provided, single submitter. Criteria: Invitae Variant Classification Sherloc (09022015). Collection method: clinical testing. Allele origin: germline.
Comment: This sequence change replaces threonine, which is neutral and polar, with alanine, which is neutral and non-polar, at codon 2611 of the FAT4 protein (p.Thr2611Ala). This variant is present in population databases (rs773681487, gnomAD 0.003%). This variant has not been reported in the literature in individuals affected with FAT4-related conditions. ClinVar contains an entry for this variant (Variation ID: 2170145). Advanced modeling of protein sequence and biophysical properties (such as structural, functional, and spatial information, amino acid conservation, physicochemical variation, residue mobility, and thermodynamic stability) performed at Invitae indicates that this missense variant is not expected to disrupt FAT4 protein function. In summary, the available evidence is currently insufficient to determine the role of this variant in disease. Therefore, it has been classified as a Variant of Uncertain Significance.

NM_001291303.3(FAT4):c.7837A>G (p.Thr2613Ala)

Gene: FAT4 (FAT atypical cadherin 4; plus strand). Cytogenetic location: 4q28.1.
Variant type: single nucleotide variant.
Coding change: c.7837A>G on transcript NM_001291303.3 (MANE Select); coding-DNA position 7837, A replaced by G.
Protein change: p.Thr2613Ala; replaces threonine 2613 with alanine.
Molecular consequence: missense variant.
Genome position (GRCh38, 1-based): chr4:125,448,847, A>G. VCF-style: chr4-125448847-A-G. GRCh37 (hg19) VCF-style: chr4-126370002-A-G.
Other names: c.7837A>G, p.Thr2613Ala (NM_001291285.3); c.7831A>G, p.Thr2611Ala (NM_024582.6); short protein forms T2613A, T2611A.
Identifiers: ClinVar variation 2170145 (VCV002170145.4), dbSNP rs773681487, ClinGen allele CA3073269.
Genomic context (GRCh38, chr4:125,448,847, plus strand): 5'-GGATCCTCTTTAAGAGGAGAACCTATGTCATATTATATCGCAAGTGGGAATCTTGGCAAT[A>G]CTTTCCAGATTGATCAGTTAACAGGGCAGGTGTCTATTAGTCAACCTCTGGATTTTGAAA-3'
Protein context (NP_001278232.1, residues 2603-2623): YYIASGNLGN[Thr2613Ala]FQIDQLTGQV